The following is an entry in ClinVar:

NM_001367561.1(DOCK7):c.5425C>T (p.Arg1809Trp)

Gene: DOCK7 (dedicator of cytokinesis 7; minus strand). Cytogenetic location: 1p31.3.
Variant type: single nucleotide variant.
Coding change: c.5425C>T on transcript NM_001367561.1 (MANE Select); coding-DNA position 5425, C replaced by T.
Protein change: p.Arg1809Trp; replaces arginine 1809 with tryptophan.
Molecular consequence: missense variant.
Genome position (GRCh38, 1-based): chr1:62,489,002, G>A on the plus strand (C>T on the coding strand, the complement: DOCK7 is on the minus strand). VCF-style: chr1-62489002-G-A. GRCh37 (hg19) VCF-style: chr1-62954673-G-A.
Other names: c.5398C>T, p.Arg1800Trp (NM_001271999.2, NM_001330614.2); c.5305C>T, p.Arg1769Trp (NM_001272000.2, NM_001272001.2); c.5332C>T, p.Arg1778Trp (NM_033407.4); short protein forms R1769W, R1778W, R1800W, R1809W.
Identifiers: ClinVar variation 1173097 (VCV001173097.5), dbSNP rs1646379326, ClinGen allele CA340608926.
Genomic context (GRCh38, chr1:62,489,002, plus strand): 5'-CAATTTTGCTGAATGCTTCTTGAAGTTTACCATGAATTGTGGATAGTTTCTTTGCATCCC[G>A]ATTAGCTTCATGAATAGGAATAAGTACTTTGTAAACTTCATTAACTGCTTCATACATGCC-3'
Protein context (NP_001354490.1, residues 1799-1819): KVLIPIHEAN[Arg1809Trp]DAKKLSTIHG

ClinVar aggregate classification (germline): Uncertain significance. Review status: criteria provided, multiple submitters, no conflicts (2 of 4 stars). 2 submissions from 2 submitters: Uncertain significance (2). Last evaluated 2021-03-10.

Conditions:
Developmental and epileptic encephalopathy, 23 (DEE23). Also called: Epileptic encephalopathy, early infantile, 23. Identifiers: Orphanet 411986, MedGen C4014492, MONDO:0014371, OMIM 615859.

Submissions (2):

Diagnostics Services (NGS), CSIR - Centre For Cellular And Molecular Biology
Classification: Uncertain significance for Developmental and epileptic encephalopathy, 23. Last evaluated: 2021-03-10. Review status: criteria provided, single submitter. Criteria: ACMG Guidelines, 2015. Collection method: clinical testing. Allele origin: unknown. Inheritance: Autosomal recessive inheritance. Affected: yes. Observed: 1 variant allele, 1 heterozygote.
Comment: The c.5332C>T variant is not present in publicly available population databases like 1000 Genomes, Exome Variant Server (EVS), Exome Aggregation Consortium (ExAC) or Genome Aggregation Database (gnomAD). The variant is also not present in Indian Exome Database [Kausthubham et al. Hum Mutat, 2021] or in our in-house exome database. The variant has notbeen previously reported to ClinVar, Human Genome Mutation Database (HGMD) and/or OMIM databases in any affected individuals. In-silico pathogenicity prediction programs like SIFT, PolyPhen-3, MutationTaster2, CADD etc. predicted this variant to be likely disease causing. There are no proven functional studies reported to prove its pathogenicity. Due to lack of enough evidence the variant has been classified as uncertain significance.

Breakthrough Genomics
Classification: Uncertain significance. Review status: criteria provided, single submitter. Criteria: ACMG Guidelines, 2015. Collection method: not provided. Allele origin: germline. Inheritance: Autosomal recessive inheritance. Affected: yes.